The following is an entry in ClinVar:

ClinVar aggregate classification (germline): Pathogenic. Review status: criteria provided, multiple submitters, no conflicts (2 of 4 stars). 3 submissions from 3 submitters: Pathogenic (3). Last evaluated 2026-09-17.

Conditions:
Immunoglobulin-mediated membranoproliferative glomerulonephritis. Also called: NEPHROTIC SYNDROME, TYPE 7, WITH MEMBRANOPROLIFERATIVE GLOMERULONEPHRITIS; Nephrotic syndrome, type 7. Identifiers: Orphanet 329903, MedGen C3554330, MONDO:0014005, OMIM 615008.
Atypical hemolytic-uremic syndrome. Identifiers: Orphanet 2134, MedGen C2931788, MONDO:0016244.

gnomAD v4.1: 2 of 1,613,418 alleles (0.00012%); highest among the groups gnomAD compares: Non-Finnish European, 0.00017%; no homozygotes.

Submissions (3):

Genomenon, Inc
Classification: Pathogenic for Atypical hemolytic-uremic syndrome. Last evaluated: 2026-09-17. Review status: criteria provided, single submitter. Criteria: Genomenon Sequence Variant Interpretation Standards - Updated. Collection method: curation. Allele origin: germline. Affected: yes.
Comment: DGKE p.Gln143Ter (c.427C>T) is a nonsense variant that introduces a premature stop codon at amino acid position 143 and is predicted to result in a truncated or absent protein product. This variant has been observed in at least one proband affected with atypical hemolytic-uremic syndrome (PMID:34432141;28056875). It is absent or not present at a significant frequency in gnomAD. In conclusion, we classify DGKE p.Gln143Ter (c.427C>T) as a pathogenic variant.

Fulgent Genetics
Classification: Pathogenic for Immunoglobulin-mediated membranoproliferative glomerulonephritis. Last evaluated: 2022-02-02. Review status: criteria provided, single submitter. Criteria: ACMG Guidelines, 2015. Collection method: clinical testing. Allele origin: unknown.

Labcorp Genetics (formerly Invitae), Labcorp
Classification: Pathogenic. Last evaluated: 2021-08-16. Review status: criteria provided, single submitter. Criteria: Invitae Variant Classification Sherloc (09022015). Collection method: clinical testing. Allele origin: germline.
Comment: For these reasons, this variant has been classified as Pathogenic. This premature translational stop signal has been observed in individual(s) with atypical hemolytic uremic syndrome (PMID: 28056875). This variant is not present in population databases (ExAC no frequency). This sequence change creates a premature translational stop signal (p.Gln143*) in the DGKE gene. It is expected to result in an absent or disrupted protein product. Loss-of-function variants in DGKE are known to be pathogenic (PMID: 23274426, 23542698).

Literature cited by the submitters: PubMed 34432141 (cited by Genomenon, Inc); PubMed 28056875 (cited by Genomenon, Inc and Labcorp Genetics (formerly Invitae), Labcorp); PubMed 23274426 (cited by Labcorp Genetics (formerly Invitae), Labcorp); PubMed 23542698 (cited by Labcorp Genetics (formerly Invitae), Labcorp).

NM_003647.3(DGKE):c.427C>T (p.Gln143Ter)

Gene: DGKE (diacylglycerol kinase epsilon; plus strand). Cytogenetic location: 17q22.
Variant type: single nucleotide variant.
Coding change: c.427C>T on transcript NM_003647.3 (MANE Select); coding-DNA position 427, C replaced by T.
Protein change: p.Gln143Ter; replaces glutamine 143 with a stop codon.
Molecular consequence: nonsense.
Genome position (GRCh38, 1-based): chr17:56,835,222, C>T. VCF-style: chr17-56835222-C-T. GRCh37 (hg19) VCF-style: chr17-54912583-C-T.
Other names: short protein forms Q143*.
Identifiers: ClinVar variation 1409980 (VCV001409980.9), dbSNP rs1340500871, ClinGen allele CA399922650.
Genomic context (GRCh38, chr17:56,835,222, plus strand): 5'-ATGCCCCACCACTGGATCCGGGGCAACGTGCCCCTGTGCAGTTACTGTATGGTTTGCAAG[C>T]AGCAGTGTGGCTGTCAACCCAAGCTTTGCGATTACAGGTATGGTCTTCGTGGACACTCAC-3'